The following is an entry in ClinVar:

ClinVar aggregate classification (germline): Uncertain significance (1 of 4 stars; one submission).

gnomAD v4.1: 4 of 1,612,638 alleles (0.00025%); highest among the groups gnomAD compares: Non-Finnish European, 0.00025%; no homozygotes.

Submission:

Women's Health and Genetics/Laboratory Corporation of America, LabCorp
Classification: Uncertain significance. Last evaluated: 2026-02-03. Review status: criteria provided, single submitter. Criteria: LabCorp Variant Classification Summary - May 2015. Collection method: clinical testing. Allele origin: germline.
Comment: Variant summary: KMT2D c.7520A>G (p.His2507Arg) results in a non-conservative amino acid change in the encoded protein sequence. Algorithms developed to predict the effect of missense changes on protein structure and function are either unavailable or do not agree on the potential impact of this missense change. The variant was absent in 244788 control chromosomes (gnomAD). The available data on variant occurrences in the general population are insufficient to allow any conclusion about variant significance. c.7520A>G has been observed in one individual affected with congenital heart disease (Sierant_2025). The report does not provide unequivocal conclusions about association of the variant with Kabuki Syndrome 1. To our knowledge, no experimental evidence demonstrating an impact on protein function has been reported. The following publication have been ascertained in the context of this evaluation (PMID: 40127276). No submitters have cited clinical-significance assessments for this variant to ClinVar. Based on the evidence outlined above, the variant was classified as uncertain significance.

Literature cited by the submitters: PubMed 40127276.

NM_003482.4(KMT2D):c.7520A>G (p.His2507Arg)

Gene: KMT2D (lysine methyltransferase 2D; minus strand). Cytogenetic location: 12q13.12.
Variant type: single nucleotide variant.
Coding change: c.7520A>G on transcript NM_003482.4 (MANE Select); coding-DNA position 7520, A replaced by G.
Protein change: p.His2507Arg; replaces histidine 2507 with arginine.
Molecular consequence: missense variant.
Genome position (GRCh38, 1-based): chr12:49,040,250, T>C on the plus strand (A>G on the coding strand, the complement: KMT2D is on the minus strand). VCF-style: chr12-49040250-T-C. GRCh37 (hg19) VCF-style: chr12-49434033-T-C.
Other names: short protein forms H2507R.
Identifiers: ClinVar variation 4848077 (VCV004848077.1).